The following is an entry in ClinVar:

ClinVar aggregate classification (germline): Conflicting classifications of pathogenicity. Review status: criteria provided, conflicting classifications (1 of 4 stars). 4 submissions from 4 submitters: Uncertain significance (1); Benign (1); Likely benign (2). Last evaluated 2024-09-26.

Conditions:
Hereditary cancer-predisposing syndrome. Also called: Neoplastic Syndromes, Hereditary; Tumor predisposition; Hereditary Cancer Syndrome; Hereditary neoplastic syndrome. Identifiers: Orphanet 140162, MedGen C0027672, MeSH D009386, MONDO:0015356.
Melanoma, cutaneous malignant, susceptibility to, 3. Also called: Cutaneous malignant melanoma 3. Identifiers: Orphanet 618, MedGen C1836892, MONDO:0012183, OMIM 609048.
Familial melanoma. Also called: Hereditary melanoma; Hereditary cutaneous melanoma. Identifiers: Orphanet 618, MedGen C1512419, MONDO:0018961.

Allele frequency attached by ClinVar (database versions not stated): gnomAD exomes 0.00001.

Submissions (4):

Myriad Genetics, Inc.
Classification: Benign for Melanoma, cutaneous malignant, susceptibility to, 3. Last evaluated: 2024-09-26. Review status: criteria provided, single submitter. Criteria: Myriad Autosomal Dominant, Autosomal Recessive and X-Linked Classification Criteria (2023). Collection method: clinical testing. Allele origin: unknown.
Comment: This variant is considered benign. This variant is a silent/synonymous amino acid change and it is not expected to impact splicing.

Ambry Genetics
Classification: Likely benign for Hereditary cancer-predisposing syndrome. Last evaluated: 2023-05-04. Review status: criteria provided, single submitter. Criteria: Ambry Variant Classification Scheme 2023. Collection method: clinical testing. Allele origin: germline.

Labcorp Genetics (formerly Invitae), Labcorp
Classification: Likely benign for Familial melanoma. Last evaluated: 2022-05-21. Review status: criteria provided, single submitter. Criteria: Invitae Variant Classification Sherloc (09022015). Collection method: clinical testing. Allele origin: germline.

Illumina Laboratory Services, Illumina
Classification: Uncertain significance for Melanoma, cutaneous malignant, susceptibility to, 3. Last evaluated: 2018-01-13. Review status: criteria provided, single submitter. Criteria: ICSL Variant Classification Criteria 13 December 2019. Collection method: clinical testing. Allele origin: germline.

NM_000075.4(CDK4):c.690T>C (p.Ile230=)

Genes: TSPAN31 (tetraspanin 31; plus strand), CDK4 (cyclin dependent kinase 4; minus strand). Cytogenetic location: 12q14.1.
Variant type: single nucleotide variant.
Coding change: c.690T>C on transcript NM_000075.4 (MANE Select); coding-DNA position 690, T replaced by C.
Protein change: p.Ile230=; no amino-acid change (isoleucine 230 retained).
Molecular consequence: synonymous variant. On other transcripts: 3 prime UTR variant (3).
Genome position (GRCh38, 1-based): chr12:57,749,311, A>G on the plus strand (T>C on the coding strand, the complement: CDK4 is on the minus strand). VCF-style: chr12-57749311-A-G. GRCh37 (hg19) VCF-style: chr12-58143094-A-G.
Other names: c.*2021A>G (NM_001330168.2, NM_001330169.2, NM_005981.5).
Identifiers: ClinVar variation 309979 (VCV000309979.16), dbSNP rs886049714, ClinGen allele CA10643019.